The following is an entry in ClinVar:

ClinVar aggregate classification (germline): Pathogenic. Review status: criteria provided, multiple submitters, no conflicts (2 of 4 stars). 3 submissions from 3 submitters: Pathogenic (2). 1 of the submissions does not count toward it. Last evaluated 2025-11-19.

Conditions:
Glycogen storage disease IXd (GSD9D). Also called: GSD IXd; Muscle Phosphorylase Kinase Deficiency. Identifiers: Orphanet 715, MedGen C1845151, MONDO:0010362, OMIM 300559.

Allele frequency attached by ClinVar (database versions not stated): gnomAD exomes below 0.00001; TOPMed 0.00002; gnomAD 0.00003.
gnomAD v4.1: 9 of 1,200,593 alleles (0.00075%); highest among the groups gnomAD compares: Non-Finnish European, 0.0009%; no homozygotes.

Submissions (4):

Labcorp Genetics (formerly Invitae), Labcorp
Classification: Pathogenic for Glycogen storage disease IXd. Last evaluated: 2025-11-19. Review status: criteria provided, single submitter. Criteria: Invitae Variant Classification Sherloc (09022015). Collection method: clinical testing. Allele origin: germline.
Comment: This sequence change creates a premature translational stop signal (p.Glu1112*) in the PHKA1 gene. It is expected to result in an absent or disrupted protein product. Loss-of-function variants in PHKA1 are known to be pathogenic (PMID: 9731190, 15637709). This variant is not present in population databases (gnomAD no frequency). This premature translational stop signal has been observed in individual(s) with clinical features of PHKA1-related conditions (PMID: 7874115). ClinVar contains an entry for this variant (Variation ID: 9923). Algorithms developed to predict the effect of sequence changes on RNA splicing suggest that this variant may create or strengthen a splice site. For these reasons, this variant has been classified as Pathogenic.

Duke University Health System Sequencing Clinic, Duke University Health System
Classification: Pathogenic for Glycogen storage disease IXd. Last evaluated: 2023-04-20. Review status: criteria provided, single submitter. Criteria: ACMG Guidelines, 2015. Collection method: research. Allele origin: maternal. Affected: yes.

OMIM
Classification: Pathogenic for GLYCOGEN STORAGE DISEASE, TYPE IXd. Last evaluated: 1994-11-01. Review status: no assertion criteria provided. Collection method: literature only. Allele origin: germline. Not counted in ClinVar's aggregate classification.

Dr. Peter K. Rogan Lab, Western University
No classification provided (evidence only). Condition: Thyroid cancer, nonmedullary, 1. Review status: no classification provided. Collection method: in vitro. Allele origin: not applicable. Functional consequence: skipped exon. Not counted in ClinVar's aggregate classification.

Literature cited by the submitters: PubMed 9731190 (cited by Labcorp Genetics (formerly Invitae), Labcorp); PubMed 15637709 (cited by Labcorp Genetics (formerly Invitae), Labcorp); PubMed 7874115 (cited by Labcorp Genetics (formerly Invitae), Labcorp and OMIM); PubMed 2252364 (cited by OMIM).

NM_002637.4(PHKA1):c.3334G>T (p.Glu1112Ter)

Gene: PHKA1 (phosphorylase kinase regulatory subunit alpha 1; minus strand). Cytogenetic location: Xq13.1.
Variant type: single nucleotide variant.
Coding change: c.3334G>T on transcript NM_002637.4 (MANE Select); coding-DNA position 3334, G replaced by T.
Protein change: p.Glu1112Ter; replaces glutamic acid 1112 with a stop codon.
Molecular consequence: nonsense.
Genome position (GRCh38, 1-based): chrX:72,582,562, C>A on the plus strand (G>T on the coding strand, the complement: PHKA1 is on the minus strand). VCF-style: chrX-72582562-C-A. GRCh37 (hg19) VCF-style: chrX-71802412-C-A.
Other names: c.3295G>T, p.Glu1099Ter (NM_001122670.2); c.3118G>T, p.Glu1040Ter (NM_001172436.2); short protein forms E1112*, E1040*, E1099*.
Identifiers: ClinVar variation 9923 (VCV000009923.9), dbSNP rs137852546, ClinGen allele CA120813.
Genomic context (GRCh38, chrX:72,582,562, plus strand): 5'-GGATGGCTTCAACCAGCAGCTGACGGTACTCTGGCTGAGGTACACGATTCAGGACAGACT[C>A]CACATGAACAGAGAATTTAATCTCACCTGGAGTCATCTGTGATAGAGAAAAAGAAAATCA-3'